The following is an entry in ClinVar:

NM_006254.4(PRKCD):c.1396A>G (p.Ser466Gly)

Gene: PRKCD (protein kinase C delta; plus strand). Cytogenetic location: 3p21.1.
Variant type: single nucleotide variant.
Coding change: c.1396A>G on transcript NM_006254.4 (MANE Select); coding-DNA position 1396, A replaced by G.
Protein change: p.Ser466Gly; replaces serine 466 with glycine.
Molecular consequence: missense variant.
Genome position (GRCh38, 1-based): chr3:53,187,383, A>G. VCF-style: chr3-53187383-A-G. GRCh37 (hg19) VCF-style: chr3-53221399-A-G.
Other names: c.1396A>G, p.Ser466Gly (NM_001354680.2, NM_212539.2, NM_001316327.2 and 1 more transcripts); c.1453A>G, p.Ser485Gly (NM_001354676.2); c.1444A>G, p.Ser482Gly (NM_001354678.2); short protein forms S485G, S466G, S482G.
Identifiers: ClinVar variation 2092705 (VCV002092705.4), dbSNP rs2471102475, ClinGen allele CA353222840.

ClinVar aggregate classification (germline): Uncertain significance (1 of 4 stars; one submission).

Conditions:
Autoimmune lymphoproliferative syndrome, type III caused by mutation in PRKCD. Identifiers: Orphanet 3261, Orphanet 664711, MedGen C3809928, MONDO:8000024, OMIM 615559.

Allele frequency attached by ClinVar (database versions not stated): gnomAD exomes below 0.00001.
gnomAD v4.1: 1 of 1,614,198 alleles (0.000062%); highest among the groups gnomAD compares: Non-Finnish European, 0.000085%; no homozygotes.

Submission:

Labcorp Genetics (formerly Invitae), Labcorp
Classification: Uncertain significance for Autoimmune lymphoproliferative syndrome, type III caused by mutation in PRKCD. Last evaluated: 2022-02-04. Review status: criteria provided, single submitter. Criteria: Invitae Variant Classification Sherloc (09022015). Collection method: clinical testing. Allele origin: germline.
Comment: In summary, the available evidence is currently insufficient to determine the role of this variant in disease. Therefore, it has been classified as a Variant of Uncertain Significance. Algorithms developed to predict the effect of missense changes on protein structure and function output the following: SIFT: "Tolerated"; PolyPhen-2: "Benign"; Align-GVGD: "Class C0". The glycine amino acid residue is found in multiple mammalian species, which suggests that this missense change does not adversely affect protein function. This variant has not been reported in the literature in individuals affected with PRKCD-related conditions. This variant is not present in population databases (gnomAD no frequency). This sequence change replaces serine, which is neutral and polar, with glycine, which is neutral and non-polar, at codon 466 of the PRKCD protein (p.Ser466Gly).